The following is an entry in ClinVar:

ClinVar aggregate classification (germline): Benign/Likely benign. Review status: criteria provided, multiple submitters, no conflicts (2 of 4 stars). 7 submissions from 7 submitters: Benign (5); Likely benign (1). 1 of the submissions does not count toward it. Last evaluated 2026-02-03.

Conditions:
Cardiovascular phenotype. Identifiers: MedGen CN230736.
NEBL-related disorder. Also called: NEBL-related condition.
Primary dilated cardiomyopathy (DCM). Also called: Dilated Cardiomyopathy. Identifiers: Orphanet 217604, MedGen C0007193, MeSH D002311, MONDO:0005021, HP:0001644. Inheritance: Various modes of inheritance.

Allele frequency attached by ClinVar (database versions not stated): 1000 Genomes Project 0.03874; 1000 Genomes Project 30x 0.03919; gnomAD 0.05741 and 0.05819; TOPMed 0.05849; ESP Exome Variant Server 0.06113; ExAC 0.06504; gnomAD exomes 0.06675 and 0.07607.
gnomAD v4.1: 120,290 of 1,610,210 alleles (7.5%); highest among the groups gnomAD compares: Middle Eastern, 17%; 5,193 homozygotes.

Submissions (7):

Labcorp Genetics (formerly Invitae), Labcorp
Classification: Benign for Primary dilated cardiomyopathy. Last evaluated: 2026-02-03. Review status: criteria provided, single submitter. Criteria: Invitae Variant Classification Sherloc (09022015). Collection method: clinical testing. Allele origin: germline.

Women's Health and Genetics/Laboratory Corporation of America, LabCorp
Classification: Likely benign. Last evaluated: 2023-04-04. Review status: criteria provided, single submitter. Criteria: LabCorp Variant Classification Summary - May 2015. Collection method: clinical testing. Allele origin: germline.

GeneDx
Classification: Benign. Last evaluated: 2014-01-17. Review status: criteria provided, single submitter. Criteria: GeneDx Variant Classification (06012015). Collection method: clinical testing. Allele origin: germline. Affected: yes.
Comment: This variant is considered likely benign or benign based on one or more of the following criteria: it is a conservative change, it occurs at a poorly conserved position in the protein, it is predicted to be benign by multiple in silico algorithms, and/or has population frequency not consistent with disease.

Ambry Genetics
Classification: Benign for Cardiovascular phenotype. Last evaluated: 2012-09-26. Review status: criteria provided, single submitter. Criteria: Ambry Autosomal Dominant and X-Linked criteria (10/2015). Collection method: clinical testing. Allele origin: germline. Observed: 1 variant allele.
Comment: General population or subpopulation frequency is too high to be a pathogenic mutation based on disease/syndrome prevalence and penetrance

Laboratory for Molecular Medicine, Mass General Brigham Personalized Medicine
Classification: Benign. Last evaluated: 2012-03-19. Review status: criteria provided, single submitter. Criteria: LMM Criteria. Collection method: clinical testing. Allele origin: germline. Observed: 234 variant alleles.
Comment: p.Met351Val in Exon 11 of NEBL: This variant is not expected to have clinical si gnificance because it has been identified in 8.3% (581/7020) of European America n chromosomes from a broad population by the NHLBI Exome Sequencing Project (dbSNP rs4025981).

Breakthrough Genomics
Classification: Benign. Review status: criteria provided, single submitter. Criteria: ACMG Guidelines, 2015. Collection method: not provided. Allele origin: germline. Inheritance: Unknown mechanism. Affected: yes.

PreventionGenetics, part of Exact Sciences
Classification: Benign for NEBL-related condition. Last evaluated: 2019-11-26. Review status: no assertion criteria provided. Collection method: clinical testing. Allele origin: germline. Not counted in ClinVar's aggregate classification.
Comment: This variant is classified as benign based on ACMG/AMP sequence variant interpretation guidelines (Richards et al. 2015 PMID: 25741868, with internal and published modifications).

NM_006393.3(NEBL):c.1051A>G (p.Met351Val)

Gene: NEBL (nebulette; minus strand). Cytogenetic location: 10p12.31.
Variant type: single nucleotide variant.
Coding change: c.1051A>G on transcript NM_006393.3 (MANE Select); coding-DNA position 1051, A replaced by G.
Protein change: p.Met351Val; replaces methionine 351 with valine.
Molecular consequence: missense variant. On other transcripts: intron variant (9).
Genome position (GRCh38, 1-based): chr10:20,850,460, T>C on the plus strand (A>G on the coding strand, the complement: NEBL is on the minus strand). VCF-style: chr10-20850460-T-C. GRCh37 (hg19) VCF-style: chr10-21139389-T-C.
Other names: p.M351V:ATG>GTG; c.250-37520A>G (NM_001377326.1, NM_001377327.1, NM_001377328.1); c.358-37520A>G (NM_213569.2, NM_001173484.2, NM_001377322.1); c.301-37520A>G (NM_001377324.1); c.292-37520A>G (NM_001377325.1); c.310-37520A>G (NM_001377323.1); short protein forms M351V.
Identifiers: ClinVar variation 45472 (VCV000045472.19), dbSNP rs4025981, ClinGen allele CA136380.